The following is an entry in ClinVar:

ClinVar aggregate classification (germline): Uncertain significance (1 of 4 stars; one submission).

Conditions:
Dilated cardiomyopathy 1Z (CMD1Z). Identifiers: Orphanet 154, MedGen C2678475, MONDO:0012745, OMIM 611879.
Hypertrophic cardiomyopathy 13. Also called: TNNC1-Related Familial Hypertrophic Cardiomyopathy. Identifiers: MedGen C2750472, MONDO:0013195, OMIM 613243.

Submission:

Labcorp Genetics (formerly Invitae), Labcorp
Classification: Uncertain significance for Hypertrophic cardiomyopathy 13; Dilated cardiomyopathy 1Z. Last evaluated: 2025-02-06. Review status: criteria provided, single submitter. Criteria: Invitae Variant Classification Sherloc (09022015). Collection method: clinical testing. Allele origin: germline.
Comment: This sequence change replaces alanine, which is neutral and non-polar, with glycine, which is neutral and non-polar, at codon 23 of the TNNC1 protein (p.Ala23Gly). This variant is not present in population databases (gnomAD no frequency). This variant has not been reported in the literature in individuals affected with TNNC1-related conditions. An algorithm developed to predict the effect of missense changes on protein structure and function (PolyPhen-2) suggests that this variant is likely to be disruptive. In summary, the available evidence is currently insufficient to determine the role of this variant in disease. Therefore, it has been classified as a Variant of Uncertain Significance.

NM_003280.3(TNNC1):c.68C>G (p.Ala23Gly)

Gene: TNNC1 (troponin C1, slow skeletal and cardiac type; minus strand). Cytogenetic location: 3p21.1.
Variant type: single nucleotide variant.
Coding change: c.68C>G on transcript NM_003280.3 (MANE Select); coding-DNA position 68, C replaced by G.
Protein change: p.Ala23Gly; replaces alanine 23 with glycine.
Molecular consequence: missense variant.
Genome position (GRCh38, 1-based): chr3:52,452,240, G>C on the plus strand (C>G on the coding strand, the complement: TNNC1 is on the minus strand). VCF-style: chr3-52452240-G-C. GRCh37 (hg19) VCF-style: chr3-52486256-G-C.
Other names: short protein forms A23G.
Identifiers: ClinVar variation 4784075 (VCV004784075.1).